The following is an entry in ClinVar:

ClinVar aggregate classification (germline): Uncertain significance (1 of 4 stars; one submission).

Submission:

Labcorp Genetics (formerly Invitae), Labcorp
Classification: Uncertain significance. Last evaluated: 2024-10-22. Review status: criteria provided, single submitter. Criteria: Invitae Variant Classification Sherloc (09022015). Collection method: clinical testing. Allele origin: germline.
Comment: This sequence change replaces alanine, which is neutral and non-polar, with glutamic acid, which is acidic and polar, at codon 1120 of the ADGRA3 protein (p.Ala1120Glu). This variant is present in population databases (rs764835658, gnomAD 0.0009%). This variant has not been reported in the literature in individuals affected with ADGRA3-related conditions. An algorithm developed to predict the effect of missense changes on protein structure and function (PolyPhen-2) suggests that this variant is likely to be disruptive. In summary, the available evidence is currently insufficient to determine the role of this variant in disease. Therefore, it has been classified as a Variant of Uncertain Significance.

NM_145290.4(ADGRA3):c.3359C>A (p.Ala1120Glu)

Gene: ADGRA3 (adhesion G protein-coupled receptor A3; minus strand). Cytogenetic location: 4p15.2.
Variant type: single nucleotide variant.
Coding change: c.3359C>A on transcript NM_145290.4 (MANE Select); coding-DNA position 3359, C replaced by A.
Protein change: p.Ala1120Glu; replaces alanine 1120 with glutamic acid.
Molecular consequence: missense variant.
Genome position (GRCh38, 1-based): chr4:22,388,312, G>T on the plus strand (C>A on the coding strand, the complement: ADGRA3 is on the minus strand). VCF-style: chr4-22388312-G-T. GRCh37 (hg19) VCF-style: chr4-22389935-G-T.
Other names: short protein forms A1120E.
Identifiers: ClinVar variation 3621620 (VCV003621620.2).